The following is an entry in ClinVar:

ClinVar aggregate classification (germline): Uncertain significance (1 of 4 stars; one submission).

Conditions:
Beckwith-Wiedemann syndrome (BWS). Also called: Exomphalos macroglossia gigantism syndrome; EMG SYNDROME. Identifiers: Orphanet 116, MedGen C0004903, MONDO:0007534, OMIM 130650.

Allele frequency attached by ClinVar (database versions not stated): gnomAD 0.00001.

Submission:

Labcorp Genetics (formerly Invitae), Labcorp
Classification: Uncertain significance for Beckwith-Wiedemann syndrome. Last evaluated: 2022-06-01. Review status: criteria provided, single submitter. Criteria: Invitae Variant Classification Sherloc (09022015). Collection method: clinical testing. Allele origin: germline.
Comment: In summary, the available evidence is currently insufficient to determine the role of this variant in disease. Therefore, it has been classified as a Variant of Uncertain Significance. This sequence change replaces glycine, which is neutral and non-polar, with arginine, which is basic and polar, at codon 253 of the CDKN1C protein (p.Gly253Arg). This variant is present in population databases (no rsID available, gnomAD 0.007%). This variant has not been reported in the literature in individuals affected with CDKN1C-related conditions. Algorithms developed to predict the effect of missense changes on protein structure and function are either unavailable or do not agree on the potential impact of this missense change (SIFT: "Deleterious"; PolyPhen-2: "Not Available"; Align-GVGD: "Class C0").

NM_001122630.2(CDKN1C):c.724G>C (p.Gly242Arg)

Gene: CDKN1C (cyclin dependent kinase inhibitor 1C; minus strand). Cytogenetic location: 11p15.4.
Variant type: single nucleotide variant.
Coding change: c.724G>C on transcript NM_001122630.2 (MANE Select); coding-DNA position 724, G replaced by C.
Protein change: p.Gly242Arg; replaces glycine 242 with arginine.
Molecular consequence: missense variant. On other transcripts: intron variant (1).
Genome position (GRCh38, 1-based): chr11:2,884,733, C>G on the plus strand (G>C on the coding strand, the complement: CDKN1C is on the minus strand). VCF-style: chr11-2884733-C-G. GRCh37 (hg19) VCF-style: chr11-2905963-C-G.
Other names: c.757G>C, p.Gly253Arg (NM_000076.2, NM_001362474.2); c.724G>C, p.Gly242Arg (NM_001122631.2); c.255+469G>C (NM_001362475.2); short protein forms G242R, G253R.
Identifiers: ClinVar variation 2001797 (VCV002001797.4), dbSNP rs1462025809, ClinGen allele CA379145640.
Genomic context (GRCh38, chr11:2,884,733, plus strand): 5'-AGATCAGAGGCCCGGACAGCTTCTTGATCGCCGCGCCGTTGGCGCTGGCGGCCGCGGTGC[C>G]GGCCGCGGGACGTCCCGAAATCCCCGAGTGCAGCTGGTCAGCGAGAGGCTCCTGGCCGCG-3'
Protein context (NP_001116102.1, residues 232-252): HSGISGRPAA[Gly242Arg]TAAASANGAA